The following is an entry in ClinVar:

NM_000540.3(RYR1):c.4055C>G (p.Ala1352Gly)

Gene: RYR1 (ryanodine receptor 1; plus strand). Cytogenetic location: 19q13.2.
Variant type: single nucleotide variant.
Coding change: c.4055C>G on transcript NM_000540.3 (MANE Select); coding-DNA position 4055, C replaced by G.
Protein change: p.Ala1352Gly; replaces alanine 1352 with glycine.
Molecular consequence: missense variant.
Genome position (GRCh38, 1-based): chr19:38,473,666, C>G. VCF-style: chr19-38473666-C-G. GRCh37 (hg19) VCF-style: chr19-38964306-C-G.
Other names: NM_000540.2(RYR1):c.4055C>G; c.4055C>G, p.Ala1352Gly (NM_001042723.2); short protein forms A1352G.
Identifiers: ClinVar variation 159846 (VCV000159846.55), dbSNP rs112105381, ClinGen allele CA024417.

ClinVar aggregate classification (germline): Benign. Review status: reviewed by expert panel (3 of 4 stars). 14 submissions from 12 submitters: Benign (1). 13 of the submissions do not count toward it. Last evaluated 2021-03-17.

Conditions:
RYR1-related disorder. Also called: RYR1-related disorders; RYR1-related condition. Identifiers: MedGen CN239331.
Central core myopathy (CMYO1A). Also called: CONGENITAL MYOPATHY 1A, AUTOSOMAL DOMINANT, WITH SUSCEPTIBILITY TO MALIGNANT HYPERTHERMIA; Central core disease; Myopathy, central fibrillar. Identifiers: Orphanet 597, MedGen C5830701, MONDO:0007294, OMIM 117000.
Congenital multicore myopathy with external ophthalmoplegia (CMYO1B). Also called: Congenital myopathy 1B, autosomal recessive; Minicore myopathy; MULTICORE MYOPATHY; MULTIMINICORE DISEASE WITH EXTERNAL OPHTHALMOPLEGIA; Minicore myopathy with external ophthalmoplegia. Identifiers: Orphanet 598, Orphanet 98905, MedGen C1850674, MONDO:0009712, OMIM 255320, HP:0003789.
Malignant hyperthermia, susceptibility to, 1 (MHS1). Also called: Malignant hyperthermia suceptibility 1; Anesthesia related hyperthermia; Malignant hyperpyrexia; Fulminating hyperpyrexia; Pharmacogenic myopathy; RYR1-Related Malignant Hyperthermia Susceptibility. Identifiers: Orphanet 423, MedGen C2930980, MONDO:0007783, OMIM 145600.

Allele frequency attached by ClinVar (database versions not stated): ExAC 0.00283; ESP Exome Variant Server 0.00369; gnomAD 0.00643 and 0.00685; TOPMed 0.00765; 1000 Genomes Project 0.00839; 1000 Genomes Project 30x 0.00859.
gnomAD v4.1: 2,094 of 1,552,088 alleles (0.13%); highest among the groups gnomAD compares: African/African-American, 2.2%; 24 homozygotes.

Submissions (14):

ClinGen Malignant Hyperthermia Susceptibility Variant Curation Expert Panel, ClinGen
Classification: Benign for Malignant hyperthermia, susceptibility to, 1. Last evaluated: 2021-03-17. Review status: reviewed by expert panel. Criteria: ClinGen MHS ACMG Specifications V1. Collection method: curation. Allele origin: germline. Inheritance: Autosomal dominant inheritance. Study: ClinGen.
Comment: This pathogenicity assessment is relevant only for malignant hyperthermia susceptibility (MHS) inherited in an autosomal dominant pattern. Variants in RYR1 can also cause other myopathies inherited in an autosomal dominant pattern or in an autosomal recessive pattern. Some of these disorders may predispose individuals to malignant hyperthermia. RYR1 variants may also contribute to a malignant hyperthermia reaction in combination with other genetic and non-genetic factors and the clinician needs to consider such factors in making management decisions. This sequence variant predicts a substitution of Alanine with Glycine at codon 1352 of the RYR1 protein, p.(Ala1352Gly). The maximum allele frequency for this variant among the six major gnomAD populations is AFR: 0.0222, which is considered to be too common for a pathogenic variant causing autosomal dominantly inherited MHS, BA1. This variant has been classified as Benign. Criteria implemented: BA1.

CeGaT Center for Human Genetics Tuebingen
Classification: Benign. Last evaluated: 2026-07-01. Review status: criteria provided, single submitter. Criteria: CeGaT Center For Human Genetics Tuebingen Variant Classification Criteria Version 2. Collection method: clinical testing. Allele origin: germline. Affected: yes. Observed: 8 variant alleles. Not counted in ClinVar's aggregate classification.
Comment: RYR1: PM5, BP4, BS1, BS2

Labcorp Genetics (formerly Invitae), Labcorp
Classification: Benign for RYR1-related disorder. Last evaluated: 2026-01-28. Review status: criteria provided, single submitter. Criteria: Invitae Variant Classification Sherloc (09022015). Collection method: clinical testing. Allele origin: germline. Not counted in ClinVar's aggregate classification.

Blueprint Genetics
Classification: Likely benign. Last evaluated: 2024-11-27. Review status: criteria provided, single submitter. Criteria: ACMG Guidelines, 2015. Collection method: clinical testing. Allele origin: germline. Not counted in ClinVar's aggregate classification.

Color Diagnostics, LLC DBA Color Health
Classification: Benign for Malignant hyperthermia, susceptibility to, 1. Last evaluated: 2022-05-04. Review status: criteria provided, single submitter. Criteria: ACMG Guidelines, 2015. Collection method: clinical testing. Allele origin: germline. Not counted in ClinVar's aggregate classification.

Genetic Services Laboratory, University of Chicago
Classification: Benign. Last evaluated: 2021-12-08. Review status: criteria provided, single submitter. Criteria: ACMG Guidelines, 2015. Collection method: clinical testing. Allele origin: germline. Affected: no. Not counted in ClinVar's aggregate classification.

Mayo Clinic Laboratories, Mayo Clinic
Classification: Benign. Last evaluated: 2020-09-17. Review status: criteria provided, single submitter. Criteria: ACMG Guidelines, 2015. Collection method: clinical testing. Allele origin: germline. Observed: 4 variant alleles. Not counted in ClinVar's aggregate classification.

GeneDx
Classification: Benign. Last evaluated: 2020-01-20. Review status: criteria provided, single submitter. Criteria: GeneDx Variant Classification Process June 2021. Collection method: clinical testing. Allele origin: germline. Affected: yes. Not counted in ClinVar's aggregate classification.
Comment: This variant is associated with the following publications: (PMID: 19807743, 19191329, 25735680, 22995991, 25637381, 21795085, 26332594, 25985138)

Illumina Laboratory Services, Illumina
Classification: Benign for Malignant hyperthermia, susceptibility to, 1. Last evaluated: 2018-03-06. Review status: criteria provided, single submitter. Criteria: ICSL Variant Classification Criteria 13 December 2019. Collection method: clinical testing. Allele origin: germline. Not counted in ClinVar's aggregate classification.
Comment: This variant was observed in the ICSL laboratory as part of a predisposition screen in an ostensibly healthy population. It had not been previously curated by ICSL or reported in the Human Gene Mutation Database (HGMD: prior to June 1st, 2018), and was therefore a candidate for classification through an automated scoring system. Utilizing variant allele frequency, disease prevalence and penetrance estimates, and inheritance mode, an automated score was calculated to assess if this variant is too frequent to cause the disease. Based on the score and internal cut-off values, a variant classified as benign is not then subjected to further curation. The score for this variant resulted in a classification of benign for this disease.

Illumina Laboratory Services, Illumina
Classification: Benign for Congenital multicore myopathy with external ophthalmoplegia. Last evaluated: 2018-03-06. Review status: criteria provided, single submitter. Criteria: ICSL Variant Classification Criteria 13 December 2019. Collection method: clinical testing. Allele origin: germline. Not counted in ClinVar's aggregate classification.
Comment: the same text as in the submission from Illumina Laboratory Services, Illumina above.

Illumina Laboratory Services, Illumina
Classification: Benign for Central core myopathy. Last evaluated: 2018-03-06. Review status: criteria provided, single submitter. Criteria: ICSL Variant Classification Criteria 13 December 2019. Collection method: clinical testing. Allele origin: germline. Not counted in ClinVar's aggregate classification.
Comment: the same text as in the submission from Illumina Laboratory Services, Illumina above.

Breakthrough Genomics
Classification: Benign. Review status: criteria provided, single submitter. Criteria: ACMG Guidelines, 2015. Collection method: not provided. Allele origin: germline. Inheritance: Autosomal recessive inheritance. Affected: yes. Not counted in ClinVar's aggregate classification.

PreventionGenetics, part of Exact Sciences
Classification: Benign for RYR1-related condition. Last evaluated: 2021-08-25. Review status: no assertion criteria provided. Collection method: clinical testing. Allele origin: germline. Not counted in ClinVar's aggregate classification.
Comment: This variant is classified as benign based on ACMG/AMP sequence variant interpretation guidelines (Richards et al. 2015 PMID: 25741868, with internal and published modifications).

CSER _CC_NCGL, University of Washington
Classification: Likely benign for Malignant hyperthermia. Last evaluated: 2014-06-01. Review status: no assertion criteria provided. Collection method: research. Allele origin: germline. Inheritance: Autosomal dominant inheritance. Study: ESP 6500 variant annotation. Not counted in ClinVar's aggregate classification.
Comment: Variants classified for the Actionable exomic incidental findings in 6503 participants: challenges of variant classification manuscript